The following is an entry in ClinVar:

NM_001042492.3(NF1):c.1636A>G (p.Met546Val)

Gene: NF1 (neurofibromin 1; plus strand). Cytogenetic location: 17q11.2.
Variant type: single nucleotide variant.
Coding change: c.1636A>G on transcript NM_001042492.3 (MANE Select); coding-DNA position 1636, A replaced by G.
Protein change: p.Met546Val; replaces methionine 546 with valine.
Molecular consequence: missense variant.
Genome position (GRCh38, 1-based): chr17:31,219,113, A>G. VCF-style: chr17-31219113-A-G. GRCh37 (hg19) VCF-style: chr17-29546131-A-G.
Other names: c.1636A>G, p.Met546Val (NM_000267.4, NM_001128147.3); short protein forms M546V.
Identifiers: ClinVar variation 841928 (VCV000841928.13), dbSNP rs2066877456, ClinGen allele CA399002154.

ClinVar aggregate classification (germline): Conflicting classifications of pathogenicity. Review status: criteria provided, conflicting classifications (1 of 4 stars). 5 submissions from 5 submitters: Uncertain significance (4); Likely benign (1). Last evaluated 2025-12-20.

Conditions:
Hereditary cancer-predisposing syndrome. Also called: Neoplastic Syndromes, Hereditary; Hereditary neoplastic syndrome; Tumor predisposition; Hereditary Cancer Syndrome. Identifiers: Orphanet 140162, MedGen C0027672, MeSH D009386, MONDO:0015356.
Cardiovascular phenotype. Identifiers: MedGen CN230736.
Juvenile myelomonocytic leukemia (JMML). Also called: LEUKEMIA, JUVENILE MYELOMONOCYTIC, SOMATIC. Identifiers: Orphanet 86834, MedGen C0349639, MONDO:0011908, OMIM 607785, HP:0012209.
Neurofibromatosis, type 1 (NF1). Also called: Peripheral type neurofibromatosis; VON RECKLINGHAUSEN DISEASE; Neurofibromatosis, type I; NEUROFIBROMATOSIS, TYPE I, SOMATIC. Identifiers: Orphanet 636, MedGen C0027831, MONDO:0018975, OMIM 162200. Disease mechanism: loss of function.

Allele frequency attached by ClinVar (database versions not stated): gnomAD exomes below 0.00001; TOPMed below 0.00001.
gnomAD v4.1: 1 of 1,613,196 alleles (0.000062%); highest among the groups gnomAD compares: Non-Finnish European, 0.000085%; no homozygotes.

Submissions (5):

Labcorp Genetics (formerly Invitae), Labcorp
Classification: Likely benign for Neurofibromatosis, type 1. Last evaluated: 2025-12-20. Review status: criteria provided, single submitter. Criteria: Invitae Variant Classification Sherloc (09022015). Collection method: clinical testing. Allele origin: germline.

Ambry Genetics
Classification: Uncertain significance for Cardiovascular phenotype; Hereditary cancer-predisposing syndrome. Last evaluated: 2025-06-23. Review status: criteria provided, single submitter. Criteria: Ambry Variant Classification Scheme 2023. Collection method: clinical testing. Allele origin: germline.
Comment: The p.M546V variant (also known as c.1636A>G), located in coding exon 14 of the NF1 gene, results from an A to G substitution at nucleotide position 1636. The methionine at codon 546 is replaced by valine, an amino acid with highly similar properties. This amino acid position is highly conserved in available vertebrate species. In addition, this alteration is predicted to be deleterious by in silico analysis. Based on the available evidence, the clinical significance of this variant remains unclear.

GeneDx
Classification: Uncertain significance. Last evaluated: 2024-06-04. Review status: criteria provided, single submitter. Criteria: GeneDx Variant Classification Process June 2021. Collection method: clinical testing. Allele origin: germline. Affected: yes.
Comment: Not observed at significant frequency in large population cohorts (gnomAD); In silico analysis supports that this missense variant has a deleterious effect on protein structure/function; Has not been previously published as pathogenic or benign to our knowledge; This variant is associated with the following publications: (PMID: 25486365)

Baylor Genetics
Classification: Uncertain significance for Juvenile myelomonocytic leukemia. Last evaluated: 2023-09-06. Review status: criteria provided, single submitter. Criteria: ACMG Guidelines, 2015. Collection method: clinical testing. Allele origin: unknown.

Genome-Nilou Lab
Classification: Uncertain significance for Neurofibromatosis, type 1. Last evaluated: 2022-03-15. Review status: criteria provided, single submitter. Criteria: ACMG Guidelines, 2015. Collection method: clinical testing. Allele origin: germline. Affected: no.